The following is an entry in ClinVar:

NM_001142416.2(AIMP1):c.592C>T (p.Pro198Ser)

Gene: AIMP1 (aminoacyl tRNA synthetase complex interacting multifunctional protein 1; plus strand). Cytogenetic location: 4q24.
Variant type: single nucleotide variant.
Coding change: c.592C>T on transcript NM_001142416.2 (MANE Select); coding-DNA position 592, C replaced by T.
Protein change: p.Pro198Ser; replaces proline 198 with serine.
Molecular consequence: missense variant.
Genome position (GRCh38, 1-based): chr4:106,331,872, C>T. VCF-style: chr4-106331872-C-T. GRCh37 (hg19) VCF-style: chr4-107253029-C-T.
Other names: c.592C>T, p.Pro198Ser (NM_001142415.2, NM_004757.4); short protein forms P198S.
Identifiers: ClinVar variation 738402 (VCV000738402.42), dbSNP rs138106524, ClinGen allele CA3035757.

ClinVar aggregate classification (germline): Conflicting classifications of pathogenicity. Review status: criteria provided, conflicting classifications (1 of 4 stars). 4 submissions from 4 submitters: Uncertain significance (2); Likely benign (2). Last evaluated 2026-04-20.

Conditions:
AIMP1-related disorder. Also called: AIMP1-related condition.

Allele frequency attached by ClinVar (database versions not stated): gnomAD 0.00057 and 0.00049; gnomAD exomes 0.00065; ExAC 0.00068; 1000 Genomes Project 30x 0.00031; 1000 Genomes Project 0.00040; TOPMed 0.00053; ESP Exome Variant Server 0.00054.
gnomAD v4.1: 830 of 1,613,858 alleles (0.051%); highest among the groups gnomAD compares: Middle Eastern, 0.23%; 3 homozygotes.

Submissions (4):

PreventionGenetics, part of Exact Sciences
Classification: Likely benign for AIMP1-related condition. Last evaluated: 2026-04-20. Review status: criteria provided, single submitter. Criteria: ACMG Guidelines, 2015. Collection method: clinical testing. Allele origin: germline.
Comment: This variant is classified as likely benign based on ACMG/AMP sequence variant interpretation guidelines (Richards et al. 2015 PMID: 25741868, with internal and published modifications).

Labcorp Genetics (formerly Invitae), Labcorp
Classification: Likely benign. Last evaluated: 2025-10-13. Review status: criteria provided, single submitter. Criteria: Invitae Variant Classification Sherloc (09022015). Collection method: clinical testing. Allele origin: germline.

Blueprint Genetics
Classification: Uncertain significance. Last evaluated: 2024-11-07. Review status: criteria provided, single submitter. Criteria: ACMG Guidelines, 2015. Collection method: clinical testing. Allele origin: germline.

CeGaT Center for Human Genetics Tuebingen
Classification: Uncertain significance. Last evaluated: 2022-01-01. Review status: criteria provided, single submitter. Criteria: CeGaT Center For Human Genetics Tuebingen Variant Classification Criteria Version 2. Collection method: clinical testing. Allele origin: germline. Affected: yes. Observed: 1 variant allele.